The following is an entry in ClinVar:

NM_145239.3(PRRT2):c.1013-3C>A

Genes: MVP-DT (MVP divergent transcript; minus strand), PRRT2 (proline rich transmembrane protein 2; plus strand). Cytogenetic location: 16p11.2.
Variant type: single nucleotide variant.
Coding change: c.1013-3C>A on transcript NM_145239.3 (MANE Select); 3 bases into the intron before coding-DNA position 1013, C replaced by A.
Molecular consequence: intron variant. On other transcripts: missense variant (1), 3 prime UTR variant (1).
Genome position (GRCh38, 1-based): chr16:29,814,625, C>A. VCF-style: chr16-29814625-C-A. GRCh37 (hg19) VCF-style: chr16-29825946-C-A.
Other names: c.1172C>A, p.Thr391Lys (NM_001256442.2); c.*671C>A (NM_001256443.2); short protein forms T391K.
Identifiers: ClinVar variation 2698644 (VCV002698644.3), dbSNP rs2543340451, ClinGen allele CA395481528.
Genomic context (GRCh38, chr16:29,814,625, plus strand): 5'-CTCTCCTTTGTCTCTCCTTGTCTCCCCCTCCCCCCGTCTGTCCTTCCCTCTCCTCTCCCA[C>A]AGTGTATAAGTGAGGGGCTCTGCCCCGCATCCCAAGACTTTTCTTCCTGTTGGGAGCTGC-3'

ClinVar aggregate classification (germline): Uncertain significance (1 of 4 stars; one submission).

Conditions:
Episodic kinesigenic dyskinesia (EKD). Also called: Paroxysmal kinesigenic dyskinesia. Identifiers: Orphanet 98809, MedGen C1868682, MONDO:0044202.

Submission:

Labcorp Genetics (formerly Invitae), Labcorp
Classification: Uncertain significance for Episodic kinesigenic dyskinesia. Last evaluated: 2023-11-24. Review status: criteria provided, single submitter. Criteria: Invitae Variant Classification Sherloc (09022015). Collection method: clinical testing. Allele origin: germline.
Comment: This sequence change falls in intron 3 of the PRRT2 gene. It does not directly change the encoded amino acid sequence of the PRRT2 protein. It affects a nucleotide within the consensus splice site. This variant is not present in population databases (gnomAD no frequency). This variant has not been reported in the literature in individuals affected with PRRT2-related conditions. Variants that disrupt the consensus splice site are a relatively common cause of aberrant splicing (PMID: 17576681, 9536098). Algorithms developed to predict the effect of sequence changes on RNA splicing suggest that this variant is not likely to affect RNA splicing. In summary, the available evidence is currently insufficient to determine the role of this variant in disease. Therefore, it has been classified as a Variant of Uncertain Significance.

Literature cited by the submitters: PubMed 17576681; PubMed 9536098.